The following is an entry in ClinVar:

NM_001384474.1(LOXHD1):c.232del (p.Gln78fs)

Gene: LOXHD1 (lipoxygenase homology PLAT domains 1; minus strand). Cytogenetic location: 18q21.1.
Variant type: Deletion.
Coding change: c.232del on transcript NM_001384474.1 (MANE Select); coding-DNA position 232, one base deleted (C; older notation c.232delC).
Protein change: p.Gln78fs; shifts the reading frame from glutamine 78.
Molecular consequence: frameshift variant.
Genome position (GRCh38, 1-based): chr18:46,649,168, G deleted on the plus strand (C on the coding strand, the reverse complement: LOXHD1 is on the minus strand); the first of 2 consecutive G bases (chr18:46,649,168-46,649,169); deleting either gives the same sequence. VCF-style (leftmost placement, unchanged base first): chr18-46649167-TG-T. GRCh37 (hg19) VCF-style: chr18-44229130-TG-T.
Other names: c.232del, p.Gln78fs (NM_144612.7); c.232delC (NM_144612.6); short protein forms Q78fs.
Identifiers: ClinVar variation 841659 (VCV000841659.10), dbSNP rs1248034407, ClinGen allele CA629497829.

ClinVar aggregate classification (germline): Pathogenic/Likely pathogenic. Review status: criteria provided, multiple submitters, no conflicts (2 of 4 stars). 2 submissions from 2 submitters: Pathogenic (1); Likely pathogenic (1). Last evaluated 2026-01-20.

Conditions:
Autosomal recessive nonsyndromic hearing loss 77. Identifiers: Orphanet 90636, MedGen C2746083, MONDO:0013119, OMIM 613079.

Submissions (2):

Labcorp Genetics (formerly Invitae), Labcorp
Classification: Pathogenic. Last evaluated: 2026-01-20. Review status: criteria provided, single submitter. Criteria: Invitae Variant Classification Sherloc (09022015). Collection method: clinical testing. Allele origin: germline.
Comment: This sequence change creates a premature translational stop signal (p.Gln78Serfs*20) in the LOXHD1 gene. It is expected to result in an absent or disrupted protein product. Loss-of-function variants in LOXHD1 are known to be pathogenic (PMID: 19732867, 21465660, 25792669). This variant is present in population databases (no rsID available, gnomAD 0.003%). This variant has not been reported in the literature in individuals affected with LOXHD1-related conditions. ClinVar contains an entry for this variant (Variation ID: 841659). For these reasons, this variant has been classified as Pathogenic.

Natera, Inc.
Classification: Likely pathogenic for Autosomal recessive deafness type 77. Last evaluated: 2025-03-07. Review status: criteria provided, single submitter. Criteria: Natera Variant Classification Schema (03/2026). Collection method: clinical testing. Allele origin: germline.
Comment: The c.232delC variant in LOXHD1 is a frameshift variant predicted to shift the reading frame beginning at codon 78 and leads to a stop codon 20 codons downstream. This variant is expected to result in nonsense mediated decay, truncation, or a dysfunctional protein product. This variant is rare in the general population with a frequency below the threshold expected for the associated phenotype(s). Given the available evidence, this variant is classified as Likely Pathogenic.

Literature cited by the submitters: PubMed 19732867 (cited by Labcorp Genetics (formerly Invitae), Labcorp); PubMed 21465660 (cited by Labcorp Genetics (formerly Invitae), Labcorp); PubMed 25792669 (cited by Labcorp Genetics (formerly Invitae), Labcorp).